The following is an entry in ClinVar:

NM_201384.3(PLEC):c.5021G>A (p.Arg1674Gln)

Gene: PLEC (plectin; minus strand). Cytogenetic location: 8q24.3.
Variant type: single nucleotide variant.
Coding change: c.5021G>A on transcript NM_201384.3 (MANE Select); coding-DNA position 5021, G replaced by A.
Protein change: p.Arg1674Gln; replaces arginine 1674 with glutamine.
Molecular consequence: missense variant.
Genome position (GRCh38, 1-based): chr8:143,924,908, C>T on the plus strand (G>A on the coding strand, the complement: PLEC is on the minus strand). VCF-style: chr8-143924908-C-T. GRCh37 (hg19) VCF-style: chr8-144999076-C-T.
Other names: c.5102G>A, p.Arg1701Gln (NM_000445.5); c.4979G>A, p.Arg1660Gln (NM_201378.4); c.4955G>A, p.Arg1652Gln (NM_201379.3); c.5432G>A, p.Arg1811Gln (NM_201380.4); c.4925G>A, p.Arg1642Gln (NM_201381.3); c.5021G>A, p.Arg1674Gln (NM_201382.4); c.5033G>A, p.Arg1678Gln (NM_201383.3); c.5102G>A (NM_000445.3); short protein forms R1674Q, R1660Q, R1678Q, R1642Q, R1652Q, R1701Q, R1811Q.
Identifiers: ClinVar variation 594617 (VCV000594617.15), dbSNP rs782062918, ClinGen allele CA4926458.

ClinVar aggregate classification (germline): Uncertain significance. Review status: criteria provided, multiple submitters, no conflicts (2 of 4 stars). 5 submissions from 5 submitters: Uncertain significance (4). 1 of the submissions does not count toward it. Last evaluated 2025-07-30.

Conditions:
Inborn genetic diseases. Identifiers: MedGen C0950123, MeSH D030342.
Epidermolysis bullosa simplex 5B, with muscular dystrophy (EBS5B). Also called: Epidermolysis bullosa simplex with muscular dystrophy; EPIDERMOLYSIS BULLOSA SIMPLEX AND LIMB-GIRDLE MUSCULAR DYSTROPHY. Identifiers: Orphanet 257, MedGen C2931072, MONDO:0009181, OMIM 226670.
Epidermolysis bullosa simplex, Ogna type (EBS5A). Also called: Pidermolysis bullosa simplex 5A, Ogna type; EPIDERMOLYSIS BULLOSA SIMPLEX 5A, OGNA TYPE. Identifiers: Orphanet 79401, MedGen C0432317, MONDO:0007555, OMIM 131950.
Epidermolysis bullosa simplex with nail dystrophy (EBS5D). Identifiers: MedGen C4225309, MONDO:0014661, OMIM 616487.
Autosomal recessive limb-girdle muscular dystrophy type 2Q (LGMDR17). Also called: MUSCULAR DYSTROPHY, LIMB-GIRDLE, AUTOSOMAL RECESSIVE 17. Identifiers: Orphanet 254361, MedGen C3150989, MONDO:0013390, OMIM 613723.
Epidermolysis bullosa simplex 5C, with pyloric atresia (EBS5C). Also called: PLEC-Related Epidermolysis Bullosa with Pyloric Atresia; Epidermolysis bullosa simplex with pyloric atresia; PLEC1-Related Epidermolysis Bullosa with Pyloric Atresia. Identifiers: Orphanet 158684, MedGen C2677349, MONDO:0012807, OMIM 612138.

Allele frequency attached by ClinVar (database versions not stated): TOPMed 0.00003; gnomAD 0.00004 and 0.00006; gnomAD exomes 0.00006 and 0.00012; 1000 Genomes Project 30x 0.00016; ExAC 0.00018.
gnomAD v4.1: 99 of 1,585,842 alleles (0.0062%); highest among the groups gnomAD compares: East Asian, 0.052%; no homozygotes.

Submissions (5):

Labcorp Genetics (formerly Invitae), Labcorp
Classification: Uncertain significance for Autosomal recessive limb-girdle muscular dystrophy type 2Q; Epidermolysis bullosa simplex, Ogna type; Epidermolysis bullosa simplex with nail dystrophy; Epidermolysis bullosa simplex 5C, with pyloric atresia; Epidermolysis bullosa simplex 5B, with muscular dystrophy. Last evaluated: 2025-07-30. Review status: criteria provided, single submitter. Criteria: Invitae Variant Classification Sherloc (09022015). Collection method: clinical testing. Allele origin: germline.
Comment: This sequence change replaces arginine, which is basic and polar, with glutamine, which is neutral and polar, at codon 1701 of the PLEC protein (p.Arg1701Gln). This variant is present in population databases (rs782062918, gnomAD 0.05%). This missense change has been observed in individual(s) with PLEC-related conditions (PMID: 35670010). This variant is also known as c.5432G>A; p.R1811Q. ClinVar contains an entry for this variant (Variation ID: 594617). Experimental studies and prediction algorithms are not available or were not evaluated, and the functional significance of this variant is currently unknown. In summary, the available evidence is currently insufficient to determine the role of this variant in disease. Therefore, it has been classified as a Variant of Uncertain Significance.

Revvity Omics, Revvity
Classification: Uncertain significance. Last evaluated: 2023-11-21. Review status: criteria provided, single submitter. Criteria: ACMG Guidelines, 2015. Collection method: clinical testing. Allele origin: germline.

Ambry Genetics
Classification: Uncertain significance for Inborn genetic diseases. Last evaluated: 2021-07-09. Review status: criteria provided, single submitter. Criteria: Ambry Variant Classification Scheme 2023. Collection method: clinical testing. Allele origin: germline.

Eurofins Ntd Llc (ga)
Classification: Uncertain significance. Last evaluated: 2017-10-25. Review status: criteria provided, single submitter. Criteria: EGL Classification Definitions 2015. Collection method: clinical testing. Allele origin: germline. Observed: 1 variant allele, 1 heterozygote.

Department of Pathology and Laboratory Medicine, Sinai Health System
Classification: Uncertain significance. Review status: no assertion criteria provided. Collection method: clinical testing. Allele origin: unknown. Affected: yes. Study: The Canadian Open Genetics Repository (COGR). Not counted in ClinVar's aggregate classification.
Comment: The PLEC p.Arg1652Gln variant was not identified in the literature nor was it identified in LOVD 3.0. The variant was identified in dbSNP (ID: rs782062918) and ClinVar (classified as uncertain significance by EGL Genetics and Invitae). The variant was identified in control databases in 26 of 231576 chromosomes at a frequency of 0.0001123 (Genome Aggregation Database March 6, 2019, v2.1.1). The variant was observed in the following populations: East Asian in 9 of 17894 chromosomes (freq: 0.000503), South Asian in 13 of 27876 chromosomes (freq: 0.000466), Other in 1 of 6266 chromosomes (freq: 0.00016), African in 1 of 19878 chromosomes (freq: 0.00005) and European (non-Finnish) in 2 of 104104 chromosomes (freq: 0.000019), but was not observed in the Latino, Ashkenazi Jewish, or European (Finnish) populations. The p.Arg1652 residue is conserved in mammals and computational analyses (PolyPhen-2, SIFT, AlignGVGD, BLOSUM, MutationTaster) provide inconsistent predictions regarding the impact to the protein; this information is not very predictive of pathogenicity. The variant occurs outside of the splicing consensus sequence and in silico or computational prediction software programs (SpliceSiteFinder, MaxEntScan, NNSPLICE, GeneSplicer) do not predict a difference in splicing. In summary, based on the above information the clinical significance of this variant cannot be determined with certainty at this time. This variant is classified as a variant of uncertain significance.

Literature cited by the submitters: PubMed 35670010 (cited by Labcorp Genetics (formerly Invitae), Labcorp).